The following is an entry in ClinVar:

NC_000006.11:g.(32007425_32007525)_(32007613_32007781)del

Gene: CYP21A2 (cytochrome P450 family 21 subfamily A member 2; plus strand). Cytogenetic location: 6p21.33.
Variant type: Deletion.
Identifiers: ClinVar variation 3068887 (VCV003068887.2).

ClinVar aggregate classification (germline): Likely pathogenic (1 of 4 stars; one submission).

Conditions:
Congenital adrenal hyperplasia. Identifiers: Orphanet 418, MedGen C0001627, MONDO:0018479, HP:0008258.

Submission:

Women's Health and Genetics/Laboratory Corporation of America, LabCorp
Classification: Likely pathogenic for Congenital adrenal hyperplasia. Last evaluated: 2025-05-20. Review status: criteria provided, single submitter. Criteria: LabCorp Variant Classification Summary - May 2015. Collection method: clinical testing. Allele origin: germline.
Comment: Variant summary: The variant involves the deletion of exon 6 in the CYP21A2 gene. A presumed nomenclature of c.(651+1_652-1)_(738+1_739-1)del has been designated for the purposes of this classification. This Copy Number Variant (CNV) is predicted to result in an in-frame deletion within this gene. The variant was absent in 441905 control chromosomes in the gnomAD database (CNVs v4.0 dataset). However, the CYP21A2 gene is known to be affected by pseudogene interference, therefore the gnomAD frequency data for copy number variants in this region might not be reliable. To our knowledge, no occurrence of c.(651+1_652-1)_(738+1_739-1)del in individuals affected with Congenital Adrenal Hyperplasia and no experimental evidence demonstrating its impact on protein function have been reported. However, missense- and complex variants within exon 6 have been reported in affected individuals, and been classified as pathogenic/likely pathogenic by our laboratory and others (ClinVar), indicating the functional importance of the deleted protein region. No submitters have cited clinical-significance assessments for this variant to ClinVar. Based on the evidence outlined above, the variant was classified as likely pathogenic.